The following is an entry in ClinVar:

ClinVar aggregate classification (germline): Benign (0 of 4 stars; one submission).

Conditions:
TGM3-related disorder. Also called: TGM3-related condition.

Allele frequency attached by ClinVar (database versions not stated): 1000 Genomes Project 30x 0.11134; 1000 Genomes Project 0.11182; ExAC 0.11212; gnomAD 0.13301; TOPMed 0.13610; ESP Exome Variant Server 0.14401.
gnomAD v4.1: 181,790 of 1,613,926 alleles (11%); highest among the groups gnomAD compares: African/African-American, 19%; 11,007 homozygotes.

Submission:

PreventionGenetics, part of Exact Sciences
Classification: Benign for TGM3-related condition. Last evaluated: 2019-11-12. Review status: no assertion criteria provided. Collection method: clinical testing. Allele origin: germline.
Comment: This variant is classified as benign based on ACMG/AMP sequence variant interpretation guidelines (Richards et al. 2015 PMID: 25741868, with internal and published modifications).

NM_003245.4(TGM3):c.746G>A (p.Ser249Asn)

Gene: TGM3 (transglutaminase 3; plus strand). Cytogenetic location: 20p13.
Variant type: single nucleotide variant.
Coding change: c.746G>A on transcript NM_003245.4 (MANE Select); coding-DNA position 746, G replaced by A.
Protein change: p.Ser249Asn; replaces serine 249 with asparagine.
Molecular consequence: missense variant.
Genome position (GRCh38, 1-based): chr20:2,317,144, G>A. VCF-style: chr20-2317144-G-A. GRCh37 (hg19) VCF-style: chr20-2297790-G-A.
Other names: short protein forms S249N.
Identifiers: ClinVar variation 3061032 (VCV003061032.2), dbSNP rs214814, ClinGen allele CA9730920.